The following is an entry in ClinVar:

NM_019892.6(INPP5E):c.355G>T (p.Glu119Ter)

Gene: INPP5E (inositol polyphosphate-5-phosphatase E; minus strand). Cytogenetic location: 9q34.3.
Variant type: single nucleotide variant.
Coding change: c.355G>T on transcript NM_019892.6 (MANE Select); coding-DNA position 355, G replaced by T.
Protein change: p.Glu119Ter; replaces glutamic acid 119 with a stop codon.
Molecular consequence: nonsense.
Genome position (GRCh38, 1-based): chr9:136,439,065, C>A on the plus strand (G>T on the coding strand, the complement: INPP5E is on the minus strand). VCF-style: chr9-136439065-C-A. GRCh37 (hg19) VCF-style: chr9-139333517-C-A.
Other names: c.355G>T (NM_019892.5); c.355G>T, p.Glu119Ter (NM_001318502.2); short protein forms E119*.
Identifiers: ClinVar variation 4905704 (VCV004905704.2).

ClinVar aggregate classification (germline): Likely pathogenic. Review status: criteria provided, multiple submitters, no conflicts (2 of 4 stars). 2 submissions from 2 submitters: Likely pathogenic (2). Last evaluated 2024-12-04.

Conditions:
INPP5E-related disorder. Also called: INPP5E-related condition.

Submissions (2):

PreventionGenetics, part of Exact Sciences
Classification: Likely pathogenic for INPP5E-related condition. Last evaluated: 2024-12-04. Review status: criteria provided, single submitter. Criteria: ACMG Guidelines, 2015. Collection method: clinical testing. Allele origin: germline.
Comment: The INPP5E c.355G>T variant is predicted to result in premature protein termination (p.Glu119*). To our knowledge, this variant has not been reported in the literature or in a large population database (gnomAD), indicating this variant is rare. Nonsense variants in INPP5E are expected to be pathogenic. This variant is interpreted as likely pathogenic.

Blueprint Genetics
Classification: Likely pathogenic for INPP5E-related disorders. Last evaluated: 2022-01-05. Review status: criteria provided, single submitter. Criteria: ACMG Guidelines, 2015. Collection method: clinical testing. Allele origin: germline. Affected: yes. Observed: 1 variant allele.